The following is an entry in ClinVar:

ClinVar aggregate classification (germline): Uncertain significance. Review status: criteria provided, multiple submitters, no conflicts (2 of 4 stars). 2 submissions from 2 submitters: Uncertain significance (2). Last evaluated 2025-09-26.

Conditions:
Inborn genetic diseases. Identifiers: MedGen C0950123, MeSH D030342.

Allele frequency attached by ClinVar (database versions not stated): gnomAD 0.00001; TOPMed 0.00001; ExAC 0.00002.
gnomAD v4.1: 5 of 1,584,186 alleles (0.00032%); highest among the groups gnomAD compares: East Asian, 0.009%; no homozygotes.

Submissions (5):

Ambry Genetics
Classification: Uncertain significance for Inborn genetic diseases. Last evaluated: 2025-09-26. Review status: criteria provided, single submitter. Criteria: Ambry Variant Classification Scheme 2023. Collection method: clinical testing. Allele origin: germline.

Labcorp Genetics (formerly Invitae), Labcorp
Classification: Uncertain significance. Last evaluated: 2024-09-20. Review status: criteria provided, single submitter. Criteria: Invitae Variant Classification Sherloc (09022015). Collection method: clinical testing. Allele origin: germline.
Comment: This sequence change replaces valine, which is neutral and non-polar, with leucine, which is neutral and non-polar, at codon 422 of the PMPCA protein (p.Val422Leu). This variant is present in population databases (rs781266365, gnomAD 0.03%). This variant has not been reported in the literature in individuals affected with PMPCA-related conditions. ClinVar contains an entry for this variant (Variation ID: 2220977). An algorithm developed to predict the effect of missense changes on protein structure and function (PolyPhen-2) suggests that this variant is likely to be tolerated. In summary, the available evidence is currently insufficient to determine the role of this variant in disease. Therefore, it has been classified as a Variant of Uncertain Significance.

Dr. Peter K. Rogan Lab, Western University
No classification provided (evidence only). Condition: Thyroid cancer, nonmedullary, 1. Review status: no classification provided. Collection method: in vitro. Allele origin: not applicable. Functional consequence: retained intron. Not counted in ClinVar's aggregate classification.

Dr. Peter K. Rogan Lab, Western University
No classification provided (evidence only). Condition: Malignant tumor of esophagus. Review status: no classification provided. Collection method: in vitro. Allele origin: not applicable. Functional consequence: retained intron. Not counted in ClinVar's aggregate classification.

Dr. Peter K. Rogan Lab, Western University
No classification provided (evidence only). Condition: Malignant tumor of esophagus. Review status: no classification provided. Collection method: in vitro. Allele origin: not applicable. Functional consequence: retained intron. Not counted in ClinVar's aggregate classification.

NM_015160.3(PMPCA):c.1264G>T (p.Val422Leu)

Gene: PMPCA (peptidase, mitochondrial processing subunit alpha; plus strand). Cytogenetic location: 9q34.3.
Variant type: single nucleotide variant.
Coding change: c.1264G>T on transcript NM_015160.3 (MANE Select); coding-DNA position 1264, G replaced by T.
Protein change: p.Val422Leu; replaces valine 422 with leucine.
Molecular consequence: missense variant.
Genome position (GRCh38, 1-based): chr9:136,421,832, G>T. VCF-style: chr9-136421832-G-T. GRCh37 (hg19) VCF-style: chr9-139316284-G-T.
Other names: c.871G>T, p.Val291Leu (NM_001282944.2); c.964G>T, p.Val322Leu (NM_001282946.2); short protein forms V322L, V422L, V291L.
Identifiers: ClinVar variation 2220977 (VCV002220977.6), dbSNP rs781266365, ClinGen allele CA5336435.
Genomic context (GRCh38, chr9:136,421,832, plus strand): 5'-TGGGGGGTGGAAGGTGGCACGGGGCGGGTGTGTGCTCACCTGACTGGACCCTGGCCCCAG[G>T]TGGAGCTGGAACGAGCCAAGACGCAGCTGACATCAATGCTCATGATGAACCTGGAATCCA-3'
Protein context (NP_055975.1, residues 412-432): FILMGGTVDT[Val422Leu]ELERAKTQLT